The following is an entry in ClinVar:

NM_000501.4(ELN):c.1726G>A (p.Gly576Ser)

Genes: ELN (elastin; plus strand), ELN-AS1 (ELN antisense RNA 1; minus strand). Cytogenetic location: 7q11.23.
Variant type: single nucleotide variant.
Coding change: c.1726G>A on transcript NM_000501.4 (MANE Select); coding-DNA position 1726, G replaced by A.
Protein change: p.Gly576Ser; replaces glycine 576 with serine.
Molecular consequence: missense variant.
Genome position (GRCh38, 1-based): chr7:74,060,480, G>A. VCF-style: chr7-74060480-G-A. GRCh37 (hg19) VCF-style: chr7-73474810-G-A.
Other names: c.1639G>A, p.Gly547Ser (NM_001081752.3); c.1684G>A, p.Gly562Ser (NM_001081753.3); c.1741G>A, p.Gly581Ser (NM_001081754.3); c.1669G>A, p.Gly557Ser (NM_001081755.3); c.1726G>A, p.Gly576Ser (NM_001278912.2); c.1483G>A, p.Gly495Ser (NM_001278913.2); c.1654G>A, p.Gly552Ser (NM_001278914.2); c.1744G>A, p.Gly582Ser (NM_001278915.2); and 4 more; short protein forms G495S, G547S, G552S, G562S, G582S, G528S, G581S, G605S.
Identifiers: ClinVar variation 3689158 (VCV003689158.2).
Genomic context (GRCh38, chr7:74,060,480, plus strand): 5'-GGTGTCGGCGTCCCTGGACTTGGAGTTGGTGCTGGTGTTCCTGGACTTGGAGTTGGTGCT[G>A]GTGTTCCTGGCTTCGGGGCAGGTGCAGATGAGGGAGTTAGGCGGAGCCTGTCCCCTGAGC-3'
Protein context (NP_000492.2, residues 566-586): AGVPGLGVGA[Gly576Ser]VPGFGAVPGA

ClinVar aggregate classification (germline): Uncertain significance (1 of 4 stars; one submission).

Conditions:
Supravalvar aortic stenosis (SVAS). Also called: Supravalvar aortic stenosis, Eisenberg type. Identifiers: Orphanet 3193, MedGen C0003499, MONDO:0008504, OMIM 185500, HP:0004381.

Submission:

Labcorp Genetics (formerly Invitae), Labcorp
Classification: Uncertain significance for Supravalvar aortic stenosis. Last evaluated: 2024-12-18. Review status: criteria provided, single submitter. Criteria: Invitae Variant Classification Sherloc (09022015). Collection method: clinical testing. Allele origin: germline.
Comment: This sequence change replaces glycine, which is neutral and non-polar, with serine, which is neutral and polar, at codon 605 of the ELN protein (p.Gly605Ser). This variant is not present in population databases (gnomAD no frequency). This variant has not been reported in the literature in individuals affected with ELN-related conditions. Experimental studies and prediction algorithms are not available or were not evaluated, and the functional significance of this variant is currently unknown. In summary, the available evidence is currently insufficient to determine the role of this variant in disease. Therefore, it has been classified as a Variant of Uncertain Significance.